The following is an entry in ClinVar:

NM_001845.6(COL4A1):c.388G>T (p.Gly130Trp)

Gene: COL4A1 (collagen type IV alpha 1 chain; minus strand). Cytogenetic location: 13q34.
Variant type: single nucleotide variant.
Coding change: c.388G>T on transcript NM_001845.6 (MANE Select); coding-DNA position 388, G replaced by T.
Protein change: p.Gly130Trp; replaces glycine 130 with tryptophan.
Molecular consequence: missense variant.
Genome position (GRCh38, 1-based): chr13:110,211,922, C>A on the plus strand (G>T on the coding strand, the complement: COL4A1 is on the minus strand). VCF-style: chr13-110211922-C-A. GRCh37 (hg19) VCF-style: chr13-110864269-C-A.
Other names: c.388G>T, p.Gly130Trp (NM_001303110.2); short protein forms G130W.
Identifiers: ClinVar variation 2628039 (VCV002628039.5), dbSNP rs766346293, ClinGen allele CA388726271.
Genomic context (GRCh38, chr13:110,211,922, plus strand): 5'-TACTCACGGGATTTCCAGCGAAACCAGGCAAGCCAGGAGGCCCGAGCGGCCCTCTCTCCC[C>A]CTGGGGAGACAGCAGAGCATCATTCATACGCACTGTGTGTGGCAGACACATCAGCCCTGA-3'
Protein context (NP_001836.3, residues 120-140): PGIPGCNGTK[Gly130Trp]ERGPLGPPGL

ClinVar aggregate classification (germline): Pathogenic/Likely pathogenic. Review status: criteria provided, multiple submitters, no conflicts (2 of 4 stars). 2 submissions from 2 submitters: Pathogenic (1); Likely pathogenic (1). Last evaluated 2023-12-14.

Conditions:
Irido-corneo-trabecular dysgenesis (ASGD5). Also called: ANTERIOR SEGMENT DYSGENESIS 5. Identifiers: Orphanet 708, MedGen C0344559, MONDO:0011414, OMIM 604229, HP:0000659.

gnomAD v4.1: 2 of 1,614,140 alleles (0.00012%); highest among the groups gnomAD compares: South Asian, 0.0011%; no homozygotes.

Submissions (2):

Labcorp Genetics (formerly Invitae), Labcorp
Classification: Likely pathogenic. Last evaluated: 2023-12-14. Review status: criteria provided, single submitter. Criteria: Invitae Variant Classification Sherloc (09022015). Collection method: clinical testing. Allele origin: germline.
Comment: This sequence change replaces glycine, which is neutral and non-polar, with tryptophan, which is neutral and slightly polar, at codon 130 of the COL4A1 protein (p.Gly130Trp). This variant is not present in population databases (gnomAD no frequency). This variant has not been reported in the literature in individuals affected with COL4A1-related conditions. Experimental studies and prediction algorithms are not available or were not evaluated, and the functional significance of this variant is currently unknown. Algorithms developed to predict the effect of sequence changes on RNA splicing suggest that this variant may disrupt the consensus splice site. This variant disrupts the triple helix domain of COL4A1. Glycine residues within the Gly-Xaa-Yaa repeats of the triple helix domain are required for the structure and stability of fibrillar collagens (PMID: 7695699, 8218237, 19344236). In COL4A1 variants affecting these glycine residues are significantly enriched in individuals with disease (PMID: 9016532, 17078022) compared to the general population (ExAC). In summary, the currently available evidence indicates that the variant is pathogenic, but additional data are needed to prove that conclusively. Therefore, this variant has been classified as Likely Pathogenic.

DBGen Ocular Genomics
Classification: Pathogenic for Irido-corneo-trabecular dysgenesis. Last evaluated: 2023-01-01. Review status: criteria provided, single submitter. Criteria: ACMG Guidelines, 2015. Collection method: clinical testing. Allele origin: unknown. Inheritance: Autosomal dominant inheritance. Affected: yes.
Comment: Class 5 ACMG Guidelines, 2015 (PMID:25741868)

Literature cited by the submitters: PubMed 7695699 (cited by Labcorp Genetics (formerly Invitae), Labcorp); PubMed 8218237 (cited by Labcorp Genetics (formerly Invitae), Labcorp); PubMed 19344236 (cited by Labcorp Genetics (formerly Invitae), Labcorp); PubMed 9016532 (cited by Labcorp Genetics (formerly Invitae), Labcorp); PubMed 17078022 (cited by Labcorp Genetics (formerly Invitae), Labcorp).